The following is an entry in ClinVar:

ClinVar aggregate classification (germline): Benign/Likely benign. Review status: criteria provided, multiple submitters, no conflicts (2 of 4 stars). 6 submissions from 6 submitters: Benign (1); Likely benign (5). Last evaluated 2025-04-13.

Conditions:
Lynch syndrome. Identifiers: Orphanet 144, MedGen C4552100, MONDO:0005835. Disease mechanism: loss of function.
Hereditary cancer-predisposing syndrome. Also called: Tumor predisposition; Neoplastic Syndromes, Hereditary; Hereditary neoplastic syndrome; Hereditary Cancer Syndrome. Identifiers: Orphanet 140162, MedGen C0027672, MeSH D009386, MONDO:0015356.
Hereditary nonpolyposis colorectal neoplasms. Identifiers: MedGen C0009405, MeSH D003123.
Lynch syndrome 5 (LYNCH5). Also called: Colorectal cancer, hereditary nonpolyposis, type 5; Hereditary non-polyposis colorectal cancer, type 5. Identifiers: Orphanet 144, MedGen C1833477, MONDO:0013710, OMIM 614350. Disease mechanism: loss of function.

Allele frequency attached by ClinVar (database versions not stated): gnomAD exomes below 0.00001; ExAC 0.00001.
gnomAD v4.1: 2 of 1,613,898 alleles (0.00012%); highest among the groups gnomAD compares: South Asian, 0.0022%; no homozygotes.

Submissions (6):

Labcorp Genetics (formerly Invitae), Labcorp
Classification: Likely benign for Hereditary nonpolyposis colorectal neoplasms. Last evaluated: 2025-04-13. Review status: criteria provided, single submitter. Criteria: Invitae Variant Classification Sherloc (09022015). Collection method: clinical testing. Allele origin: germline.

Myriad Genetics, Inc.
Classification: Benign for Lynch syndrome 5. Last evaluated: 2024-12-20. Review status: criteria provided, single submitter. Criteria: Myriad Autosomal Dominant, Autosomal Recessive and X-Linked Classification Criteria (2023). Collection method: clinical testing. Allele origin: unknown.
Comment: This variant is considered benign. This variant is a silent/synonymous amino acid change and it is not expected to impact splicing.

All of Us Research Program, National Institutes of Health
Classification: Likely benign for Lynch syndrome. Last evaluated: 2024-02-05. Review status: criteria provided, single submitter. Criteria: ACMG Guidelines, 2015. Collection method: clinical testing. Allele origin: germline. Inheritance: Autosomal dominant inheritance. Observed: 1 variant allele, 1 heterozygote.
Comment: This study involves interpretation of variants in research participants for the purpose of population health screening. Participant phenotype was not available at the time of variant classification. Additional details can be found in publication PMID: 35346344, PMCID: PMC8962531

Women's Health and Genetics/Laboratory Corporation of America, LabCorp
Classification: Likely benign. Last evaluated: 2019-08-29. Review status: criteria provided, single submitter. Criteria: LabCorp Variant Classification Summary - May 2015. Collection method: clinical testing. Allele origin: germline.

Ambry Genetics
Classification: Likely benign for Hereditary cancer-predisposing syndrome. Last evaluated: 2019-01-10. Review status: criteria provided, single submitter. Criteria: Ambry Variant Classification Scheme 2023. Collection method: clinical testing. Allele origin: germline.

GeneDx
Classification: Likely benign. Last evaluated: 2018-01-08. Review status: criteria provided, single submitter. Criteria: GeneDx Variant Classification (06012015). Collection method: clinical testing. Allele origin: germline. Affected: yes.
Comment: This variant is considered likely benign or benign based on one or more of the following criteria: it is a conservative change, it occurs at a poorly conserved position in the protein, it is predicted to be benign by multiple in silico algorithms, and/or has population frequency not consistent with disease.

NM_000179.3(MSH6):c.840T>C (p.Ser280=)

Gene: MSH6 (mutS homolog 6; plus strand). Cytogenetic location: 2p16.3.
Variant type: single nucleotide variant.
Coding change: c.840T>C on transcript NM_000179.3 (MANE Select); coding-DNA position 840, T replaced by C.
Protein change: p.Ser280=; no amino-acid change (serine 280 retained).
Molecular consequence: synonymous variant. On other transcripts: 5 prime UTR variant (2).
Genome position (GRCh38, 1-based): chr2:47,798,823, T>C. VCF-style: chr2-47798823-T-C. GRCh37 (hg19) VCF-style: chr2-48025962-T-C.
Other names: c.450T>C, p.Ser150= (NM_001281492.2); c.-67T>C (NM_001281493.2, NM_001281494.2).
Identifiers: ClinVar variation 495723 (VCV000495723.19), dbSNP rs767974147, ClinGen allele CA073487.